The following is an entry in ClinVar:

NM_013275.6(ANKRD11):c.6214C>T (p.Leu2072Phe)

Gene: ANKRD11 (ankyrin repeat domain 11; minus strand). Cytogenetic location: 16q24.3.
Variant type: single nucleotide variant.
Coding change: c.6214C>T on transcript NM_013275.6 (MANE Select); coding-DNA position 6214, C replaced by T.
Protein change: p.Leu2072Phe; replaces leucine 2072 with phenylalanine.
Molecular consequence: missense variant.
Genome position (GRCh38, 1-based): chr16:89,280,328, G>A on the plus strand (C>T on the coding strand, the complement: ANKRD11 is on the minus strand). VCF-style: chr16-89280328-G-A. GRCh37 (hg19) VCF-style: chr16-89346736-G-A.
Other names: c.6214C>T, p.Leu2072Phe (NM_001256182.2, NM_001256183.2); short protein forms L2072F.
Identifiers: ClinVar variation 5040288 (VCV005040288.1).

ClinVar aggregate classification (germline): Likely benign (1 of 4 stars; one submission).

gnomAD v4.1: 5 of 1,581,634 alleles (0.00032%); highest among the groups gnomAD compares: Non-Finnish European, 0.00043%; no homozygotes.

Submission:

CeGaT Center for Human Genetics Tuebingen
Classification: Likely benign. Last evaluated: 2026-07-01. Review status: criteria provided, single submitter. Criteria: CeGaT Center For Human Genetics Tuebingen Variant Classification Criteria Version 2. Collection method: clinical testing. Allele origin: germline. Affected: yes. Observed: 1 variant allele.
Comment: ANKRD11: BP4